The following is an entry in ClinVar:

NM_003280.3(TNNC1):c.158C>T (p.Thr53Ile)

Gene: TNNC1 (troponin C1, slow skeletal and cardiac type; minus strand). Cytogenetic location: 3p21.1.
Variant type: single nucleotide variant.
Coding change: c.158C>T on transcript NM_003280.3 (MANE Select); coding-DNA position 158, C replaced by T.
Protein change: p.Thr53Ile; replaces threonine 53 with isoleucine.
Molecular consequence: missense variant.
Genome position (GRCh38, 1-based): chr3:52,452,150, G>A on the plus strand (C>T on the coding strand, the complement: TNNC1 is on the minus strand). VCF-style: chr3-52452150-G-A. GRCh37 (hg19) VCF-style: chr3-52486166-G-A.
Other names: short protein forms T53I.
Identifiers: ClinVar variation 2112077 (VCV002112077.4), dbSNP rs2471444614, ClinGen allele CA353168506.

ClinVar aggregate classification (germline): Uncertain significance (1 of 4 stars; one submission).

Conditions:
Dilated cardiomyopathy 1Z (CMD1Z). Identifiers: Orphanet 154, MedGen C2678475, MONDO:0012745, OMIM 611879.
Hypertrophic cardiomyopathy 13. Also called: TNNC1-Related Familial Hypertrophic Cardiomyopathy. Identifiers: MedGen C2750472, MONDO:0013195, OMIM 613243.

Submission:

Labcorp Genetics (formerly Invitae), Labcorp
Classification: Uncertain significance for Hypertrophic cardiomyopathy 13; Dilated cardiomyopathy 1Z. Last evaluated: 2024-12-30. Review status: criteria provided, single submitter. Criteria: Invitae Variant Classification Sherloc (09022015). Collection method: clinical testing. Allele origin: germline.
Comment: This sequence change replaces threonine, which is neutral and polar, with isoleucine, which is neutral and non-polar, at codon 53 of the TNNC1 protein (p.Thr53Ile). This variant is not present in population databases (gnomAD no frequency). This variant has not been reported in the literature in individuals affected with TNNC1-related conditions. ClinVar contains an entry for this variant (Variation ID: 2112077). An algorithm developed to predict the effect of missense changes on protein structure and function (PolyPhen-2) suggests that this variant is likely to be disruptive. In summary, the available evidence is currently insufficient to determine the role of this variant in disease. Therefore, it has been classified as a Variant of Uncertain Significance.